The following is an entry in ClinVar:

ClinVar aggregate classification (germline): Uncertain significance (1 of 4 stars; one submission).

Conditions:
BAAT-related disorder. Also called: BAAT-related condition.

gnomAD v4.1: 17 of 1,613,944 alleles (0.0011%); highest among the groups gnomAD compares: Non-Finnish European, 0.0014%; no homozygotes.

Submission:

PreventionGenetics, part of Exact Sciences
Classification: Uncertain significance for BAAT-related condition. Last evaluated: 2025-11-16. Review status: criteria provided, single submitter. Criteria: ACMG Guidelines, 2015. Collection method: clinical testing. Allele origin: germline.
Comment: The BAAT c.805G>A variant is predicted to result in the amino acid substitution p.Val269Ile. To our knowledge, this variant has not been reported in the literature. This variant is reported in 0.0062% of alleles in individuals of European (Non-Finnish) descent in gnomAD. At this time, the clinical significance of this variant is uncertain due to the absence of conclusive functional and genetic evidence.

NM_001701.4(BAAT):c.805G>A (p.Val269Ile)

Gene: BAAT (bile acid-CoA:amino acid N-acyltransferase; minus strand). Cytogenetic location: 9q31.1.
Variant type: single nucleotide variant.
Coding change: c.805G>A on transcript NM_001701.4 (MANE Select); coding-DNA position 805, G replaced by A.
Protein change: p.Val269Ile; replaces valine 269 with isoleucine.
Molecular consequence: missense variant.
Genome position (GRCh38, 1-based): chr9:101,362,880, C>T on the plus strand (G>A on the coding strand, the complement: BAAT is on the minus strand). VCF-style: chr9-101362880-C-T. GRCh37 (hg19) VCF-style: chr9-104125162-C-T.
Other names: c.805G>A, p.Val269Ile (NM_001127610.2, NM_001374715.1); short protein forms V269I.
Identifiers: ClinVar variation 4977609 (VCV004977609.1).